The following is an entry in ClinVar:

NM_001374623.1(PNPLA1):c.1595+544A>G

Gene: PNPLA1 (patatin like domain 1, omega-hydroxyceramide transacylase; plus strand). Cytogenetic location: 6p21.31.
Variant type: single nucleotide variant.
Coding change: c.1595+544A>G on transcript NM_001374623.1 (MANE Select); 544 bases into the intron after coding-DNA position 1595, A replaced by G.
Molecular consequence: intron variant. On other transcripts: 3 prime UTR variant (3).
Genome position (GRCh38, 1-based): chr6:36,308,256, A>G. VCF-style: chr6-36308256-A-G. GRCh37 (hg19) VCF-style: chr6-36276033-A-G.
Other names: c.*540A>G (NM_001145717.1, NM_001145716.2, NM_173676.2).
Identifiers: ClinVar variation 356583 (VCV000356583.5), dbSNP rs145087163, ClinGen allele CA10622045.

ClinVar aggregate classification (germline): Likely benign (1 of 4 stars; one submission).

Conditions:
Autosomal recessive congenital ichthyosis 10 (ARCI10). Identifiers: Orphanet 79394, MedGen C3554355, MONDO:0014011, OMIM 615024.

Allele frequency attached by ClinVar (database versions not stated): gnomAD 0.00321 and 0.00340; TOPMed 0.00349; 1000 Genomes Project 30x 0.00531; 1000 Genomes Project 0.00539.

Submission:

Illumina Laboratory Services, Illumina
Classification: Likely benign for Autosomal recessive congenital ichthyosis 10. Last evaluated: 2018-01-12. Review status: criteria provided, single submitter. Criteria: ICSL Variant Classification Criteria 13 December 2019. Collection method: clinical testing. Allele origin: germline.
Comment: This variant was observed in the ICSL laboratory as part of a predisposition screen in an ostensibly healthy population. It had not been previously curated by ICSL or reported in the Human Gene Mutation Database (HGMD: prior to June 1st, 2018), and was therefore a candidate for classification through an automated scoring system. Utilizing variant allele frequency, disease prevalence and penetrance estimates, and inheritance mode, an automated score was calculated to assess if this variant is too frequent to cause the disease. Based on the score and internal cut-off values, a variant classified as likely benign is not then subjected to further curation. The score for this variant resulted in a classification of likely benign for this disease.